The following is an entry in ClinVar:

ClinVar aggregate classification (germline): Pathogenic. Review status: reviewed by expert panel (3 of 4 stars). 41 submissions from 41 submitters: Pathogenic (1). 40 of the submissions do not count toward it. Last evaluated 2018-08-05.

Conditions:
PAH-related disorder. Also called: PAH-related condition.
Inborn genetic diseases. Identifiers: MedGen C0950123, MeSH D030342.
Pituitary hormone deficiency, combined, 2. Also called: ATELIOTIC DWARFISM WITH HYPOGONADISM; PITUITARY DWARFISM III; HANHART DWARFISM; PROP1-Related Combined Pituitary Hormone Deficiency. Identifiers: MedGen C0878683, MONDO:0009878, OMIM 262600.
Phenylketonuria (PKU). Also called: FOLLING DISEASE; Phenylketonurias; Phenylketonuria (PKU); OLIGOPHRENIA PHENYLPYRUVICA. Identifiers: Orphanet 716, MedGen C0031485, MONDO:0009861, OMIM 261600. Disease mechanism: loss of function.

Allele frequency attached by ClinVar (database versions not stated): gnomAD 0.00040 and 0.00038; ExAC 0.00035; gnomAD exomes 0.00103 and 0.00040; TOPMed 0.00051; ESP Exome Variant Server 0.00077.
gnomAD v4.1: 1,506 of 1,594,018 alleles (0.094%); highest among the groups gnomAD compares: Non-Finnish European, 0.13%; no homozygotes.

Submissions 1 to 8 of 43:

ClinGen PAH Variant Curation Expert Panel
Classification: Pathogenic for Phenylketonuria. Last evaluated: 2018-08-05. Review status: reviewed by expert panel. Criteria: ClinGen PAH ACMG Specifications v1. Collection method: curation. Allele origin: germline. Inheritance: Autosomal recessive inheritance.
Comment: PAH-specific ACMG/AMP criteria applied: PS3: abolishes PAH activity due to protein instability (PMID:17935162; PMID:3615198); PM3: (PMID:24941924); PP4_Moderate: Reported in Galician PAH deficiency population. BH4 deficiency ruled out. (PMID:23500595); PVS1: Canonical +1 splice site. In summary this variant meets criteria to be classified as pathogenic for phenylketonuria in an autosomal recessive manner based on the ACMG/AMP criteria applied as specified by the PAH Expert Panel: (PS3, PM3, PP4_Moderate, PVS1).

OLLIN Analises Genomicas, OLLIN
Classification: Pathogenic for Phenylketonuria. Last evaluated: 2026-08-06. Review status: criteria provided, single submitter. Criteria: ACMG Guidelines 2015 PMID 25741868. Collection method: clinical testing. Allele origin: germline. Inheritance: Autosomal recessive inheritance. Not counted in ClinVar's aggregate classification.
Comment: This variant, located at the canonical splicing site (splice donor), has been reported in ClinVar (accession VCV000370074.4), in gnomAD with an allele frequency of 0.094%, and in the scientific literature, in compound heterozygosity, in individuals with PAH related disorders (PMID: 17935162, 3615198, 24941924, 23500595). This variant is predicted to disrupt a canonical splice site, potentially leading to exon skipping, mRNA degradation via nonsense-mediated decay (NMD), or production of a truncated protein. Functional studies suggest that this variant may affect protein function (PMID: 17935162, 3615198). According to the currently available evidence, this variant has been classified as pathogenic (PVS1, PS3, PM3, PP4_M).

CeGaT Center for Human Genetics Tuebingen
Classification: Pathogenic. Last evaluated: 2026-06-01. Review status: criteria provided, single submitter. Criteria: CeGaT Center For Human Genetics Tuebingen Variant Classification Criteria Version 2. Collection method: clinical testing. Allele origin: germline. Affected: yes. Observed: 26 variant alleles. Not counted in ClinVar's aggregate classification.
Comment: PAH: PM3:Very Strong, PVS1, PP4:Moderate, PM2:Supporting

Dasa
Classification: Pathogenic. Last evaluated: 2026-04-18. Review status: criteria provided, single submitter. Criteria: DASA Assertion Criteria. Collection method: clinical testing. Allele origin: germline. Not counted in ClinVar's aggregate classification.
Comment: NM_000277.3(PAH):c.1315+1G>A affects a canonical splice site and is predicted to disrupt normal RNA splicing, leading to loss of normal protein function. Loss-of-function is an established mechanism of disease for this gene. Functional evidence supports a deleterious effect on the gene or gene product (PMID: 24941924; PMID: 12655544; PMID: 3615198; PMID: 23500595; PMID: 17935162). This variant has been recurrently observed in individuals with related phenotype (PMID: 24941924; PMID: 12655544; PMID: 3615198; PMID: 23500595; PMID: 17935162). The variant is present at low frequency in population datasets. Based on the available data, this variant is classified as pathogenic.

PreventionGenetics, part of Exact Sciences
Classification: Pathogenic for PAH-related condition. Last evaluated: 2026-03-02. Review status: criteria provided, single submitter. Criteria: ACMG Guidelines, 2015. Collection method: clinical testing. Allele origin: germline. Not counted in ClinVar's aggregate classification.
Comment: The PAH c.1315+1G>A variant is predicted to disrupt the GT donor site and interfere with normal splicing. This variant, often referred to in the literature as IVS12+1G>A, disrupts the consensus splice donor site that lies at the junction of exon 12 and intron 12 and is predicted to impact splicing (SpliceAI, Jaganathan et al. 2019. PubMed ID: 30661751). This variant has been reported to be causative for phenylalanine hydroxylase deficiency (Dobrowolski et al. 2009. PubMed ID: 19444284; Couce et al. 2013. PubMed ID: 23500595; Vela-Amieva et al. 2015. PubMed ID: 24941924; Sarkissian et al. 2012. PubMed ID: 23430918). The c.1315+1G>A variant has been reported to completely abrogate phenylalanine hydroxylase enzyme activity and has been associated with classic phenylketonuria (PKU) (Zurflüh et al. 2008. PubMed ID: 17935162; Couce et al. 2013. PubMed ID: 23500595). Additionally, it has been reported to result in a PAH protein that is non-responsive to BH4 (Zurflüh et al. 2008. PubMed ID: 17935162). This variant is classified as pathogenic by multiple outside laboratories and the ClinGen PAH Variant Curation Expert Panel (Variation ID: 576). Based on these observations, we interpret this variant as pathogenic.

Labcorp Genetics (formerly Invitae), Labcorp
Classification: Pathogenic for Phenylketonuria. Last evaluated: 2026-01-28. Review status: criteria provided, single submitter. Criteria: Invitae Variant Classification Sherloc (09022015). Collection method: clinical testing. Allele origin: germline. Not counted in ClinVar's aggregate classification.
Comment: This sequence change affects a donor splice site in intron 12 of the PAH gene. While this variant is not anticipated to result in nonsense mediated decay, it likely alters RNA splicing and results in a disrupted protein product. This variant is present in population databases (rs5030861, gnomAD 0.08%). Disruption of this splice site has been observed in individual(s) with PAH-related conditions (PMID: 24368688, 25596310, 26542770). In at least one individual the data is consistent with being in trans (on the opposite chromosome) from a pathogenic variant. It is commonly reported in individuals of European ancestry (PMID: 9634518, 24368688, 25596310, 26542770; internal data). ClinVar contains an entry for this variant (Variation ID: 576). Algorithms developed to predict the effect of variants on gene product structure and function are not available or were not evaluated for this variant. Experimental studies have shown that disruption of this splice site affects PAH function (PMID: 3615198, 17935162). Variants that disrupt the consensus splice site are a relatively common cause of aberrant splicing (PMID: 17576681, 9536098). Algorithms developed to predict the effect of sequence changes on RNA splicing suggest that this variant may disrupt the consensus splice site. For these reasons, this variant has been classified as Pathogenic.

Variantyx, Inc.
Classification: Pathogenic for Phenylketonuria. Last evaluated: 2026-01-07. Review status: criteria provided, single submitter. Criteria: Variantyx Assertion Criteria 2022. Collection method: clinical testing. Allele origin: germline. Inheritance: Autosomal recessive inheritance. Affected: yes. Not counted in ClinVar's aggregate classification.
Comment: This is a canonical splicing variant in the PAH gene (OMIM: 612349). Pathogenic variants in this gene have been associated with autosomal recessive phenylketonuria. This splicing variant is expected to result in loss of function, which is a known disease mechanism for PAH in this disorder (PMID: 17935162) (PVS1). It has been reported in the homozygous or compound heterozygous state in many unrelated affected individuals (PMID: 3008810, 11999982, 29288420, 23500595, 1677425, 8188310, 30963030, 33101986, 33375644, 33465300) (PM3). Other reputable laboratories have reported this variant as pathogenic or likely pathogenic, and this classification has been validated by an expert panel in ClinVar. This variant has a 0.0860% maximum allele frequency in non-founder control populations.Based on the evidence, this variant is classified as pathogenic for autosomal recessive phenylketonuria.

Otogenetics
Classification: Pathogenic for Phenylketonuria. Last evaluated: 2025-11-13. Review status: criteria provided, single submitter. Criteria: ACMG Guidelines, 2015. Collection method: clinical testing. Allele origin: germline. Not counted in ClinVar's aggregate classification.
Comment: PVS1_Strong: Null variant in gene with loss of function as mechanism of disease occurring in canonical splice site, disrupting the reading frame, not predicted to undergo NMD; PS3_Moderate: Well-established in vitro and in vivo functional studies supportive of damaging effect on the gene product, with low residual enzymatic activity relative to wild-type reported (PMID: 3615198, 17935162); PM2: Maximum gnomAD MAF of 0.1265% in European-Non Finnish (NFE) subpopulation (<0.257% threshold); PM3_VeryStrong: Variant reported in homozygous state in 3 affected individuals and in trans with over ten pathogenic variants in numerous individuals affected with phenylketonuria (PMID: 11999982, 22355511, 23942198, 24190797, 26542770, 30963030, 33375644) PP3: In-silico models predict deleterious affect (MutationTaster = 1, SpliceAI = 0.94)

NM_000277.3(PAH):c.1315+1G>A

Gene: PAH (phenylalanine hydroxylase; minus strand). Cytogenetic location: 12q23.2.
Variant type: single nucleotide variant.
Coding change: c.1315+1G>A on transcript NM_000277.3 (MANE Select); the canonical splice donor site of the intron after coding-DNA position 1315, G replaced by A.
Molecular consequence: splice donor variant.
Genome position (GRCh38, 1-based): chr12:102,840,399, C>T on the plus strand (G>A on the coding strand, the complement: PAH is on the minus strand). VCF-style: chr12-102840399-C-T. GRCh37 (hg19) VCF-style: chr12-103234177-C-T.
Other names: NM_000277.2(PAH):c.1315+1G>A; IVS12+1G>A; IVS12DS, G-A, +1; c.1315+1G>A (NM_001354304.2, NM_000277.2).
Identifiers: ClinVar variation 576 (VCV000000576.165), dbSNP rs5030861, ClinGen allele CA251522.